The following is an entry in ClinVar:

NM_005188.4(CBL):c.2437G>A (p.Val813Ile)

Gene: CBL (Cbl proto-oncogene; plus strand). Cytogenetic location: 11q23.3.
Variant type: single nucleotide variant.
Coding change: c.2437G>A on transcript NM_005188.4 (MANE Select); coding-DNA position 2437, G replaced by A.
Protein change: p.Val813Ile; replaces valine 813 with isoleucine.
Molecular consequence: missense variant.
Genome position (GRCh38, 1-based): chr11:119,299,497, G>A. VCF-style: chr11-119299497-G-A. GRCh37 (hg19) VCF-style: chr11-119170207-G-A.
Other names: short protein forms V813I.
Identifiers: ClinVar variation 5033712 (VCV005033712.1).

ClinVar aggregate classification (germline): Uncertain significance (1 of 4 stars; one submission).

Conditions:
Cardiovascular phenotype. Identifiers: MedGen CN230736.

Submission:

Ambry Genetics
Classification: Uncertain significance for Cardiovascular phenotype. Last evaluated: 2026-08-30. Review status: criteria provided, single submitter. Criteria: Ambry Variant Classification Scheme 2023. Collection method: clinical testing. Allele origin: germline.
Comment: The p.V813I variant (also known as c.2437G>A), located in coding exon 16 of the CBL gene, results from a G to A substitution at nucleotide position 2437. The valine at codon 813 is replaced by isoleucine, an amino acid with highly similar properties. This amino acid position is conserved. In addition, this alteration is predicted to be tolerated by in silico analysis. Based on the available evidence, the clinical significance of this variant remains unclear.